The following is an entry in ClinVar:

ClinVar aggregate classification (germline): Conflicting classifications of pathogenicity. Review status: criteria provided, conflicting classifications (1 of 4 stars). 2 submissions from 2 submitters: Uncertain significance (1); Likely benign (1). Last evaluated 2025-11-17.

Conditions:
Long QT syndrome (LQTS). Identifiers: MedGen C0023976, MeSH D008133, MONDO:0002442. Disease mechanism: loss of function. Inheritance: Various modes of inheritance.
Cardiovascular phenotype. Identifiers: MedGen CN230736.

Allele frequency attached by ClinVar (database versions not stated): gnomAD exomes below 0.00001; TOPMed below 0.00001; ExAC 0.00001; gnomAD 0.00001; ESP Exome Variant Server 0.00008.
gnomAD v4.1: 13 of 1,613,588 alleles (0.00081%); highest among the groups gnomAD compares: African/African-American, 0.0013%; no homozygotes.

Submissions (2):

Labcorp Genetics (formerly Invitae), Labcorp
Classification: Likely benign for Long QT syndrome. Last evaluated: 2025-11-17. Review status: criteria provided, single submitter. Criteria: Invitae Variant Classification Sherloc (09022015). Collection method: clinical testing. Allele origin: germline.

Ambry Genetics
Classification: Uncertain significance for Cardiovascular phenotype. Last evaluated: 2024-06-28. Review status: criteria provided, single submitter. Criteria: Ambry Variant Classification Scheme 2023. Collection method: clinical testing. Allele origin: germline.
Comment: The c.3210-5C>A intronic variant results from a C to A substitution 5 nucleotides upstream from coding exon 26 in the CACNA1C gene. This nucleotide position is well conserved in available vertebrate species. In silico splice site analysis predicts that this alteration will not have any significant effect on splicing. Based on the available evidence, the clinical significance of this variant remains unclear.

NM_000719.7(CACNA1C):c.3210-5C>A

Gene: CACNA1C (calcium voltage-gated channel subunit alpha1 C; plus strand). Cytogenetic location: 12p13.33.
Variant type: single nucleotide variant.
Coding change: c.3210-5C>A on transcript NM_000719.7 (MANE Select); 5 bases into the intron before coding-DNA position 3210, C replaced by A.
Molecular consequence: intron variant.
Genome position (GRCh38, 1-based): chr12:2,606,979, C>A. VCF-style: chr12-2606979-C-A. GRCh37 (hg19) VCF-style: chr12-2716145-C-A.
Other names: c.3210-5C>A (NM_001167624.3, NM_001167623.2, NM_001167625.2 and 16 more transcripts); c.3270-5C>A (NM_199460.4, NM_001129827.2, NM_001129832.2); c.3201-5C>A (NM_001129844.2).
Identifiers: ClinVar variation 1642293 (VCV001642293.9), dbSNP rs373331407, ClinGen allele CA6389198.